The following is an entry in ClinVar:

ClinVar aggregate classification (germline): Uncertain significance (1 of 4 stars; one submission).

Conditions:
Autosomal recessive spastic paraplegia type 78. Identifiers: Orphanet 513436, MedGen C5567893, MONDO:0014975, OMIM 617225.
Kufor-Rakeb syndrome (KRS). Also called: PARKINSON DISEASE 9, AUTOSOMAL RECESSIVE, JUVENILE-ONSET. Identifiers: Orphanet 306674, Orphanet 314632, MedGen C1847640, MONDO:0011706, OMIM 606693.

Allele frequency attached by ClinVar (database versions not stated): gnomAD 0.00001; gnomAD exomes 0.00001; TOPMed 0.00002.
gnomAD v4.1: 9 of 1,613,764 alleles (0.00056%); highest among the groups gnomAD compares: South Asian, 0.0022%; no homozygotes.

Submission:

Labcorp Genetics (formerly Invitae), Labcorp
Classification: Uncertain significance for Kufor-Rakeb syndrome; Autosomal recessive spastic paraplegia type 78. Last evaluated: 2023-10-08. Review status: criteria provided, single submitter. Criteria: Invitae Variant Classification Sherloc (09022015). Collection method: clinical testing. Allele origin: germline.
Comment: This sequence change replaces valine, which is neutral and non-polar, with methionine, which is neutral and non-polar, at codon 35 of the ATP13A2 protein (p.Val35Met). This variant is not present in population databases (gnomAD no frequency). This variant has not been reported in the literature in individuals affected with ATP13A2-related conditions. An algorithm developed to predict the effect of missense changes on protein structure and function (PolyPhen-2) suggests that this variant¬¨‚Ä†is likely to be tolerated. In summary, the available evidence is currently insufficient to determine the role of this variant in disease. Therefore, it has been classified as a Variant of Uncertain Significance.

NM_022089.4(ATP13A2):c.103G>A (p.Val35Met)

Gene: ATP13A2 (ATPase cation transporting 13A2; minus strand). Cytogenetic location: 1p36.13.
Variant type: single nucleotide variant.
Coding change: c.103G>A on transcript NM_022089.4 (MANE Select); coding-DNA position 103, G replaced by A.
Protein change: p.Val35Met; replaces valine 35 with methionine.
Molecular consequence: missense variant.
Genome position (GRCh38, 1-based): chr1:17,005,686, C>T on the plus strand (G>A on the coding strand, the complement: ATP13A2 is on the minus strand). VCF-style: chr1-17005686-C-T. GRCh37 (hg19) VCF-style: chr1-17332181-C-T.
Other names: c.103G>A, p.Val35Met (NM_001141973.3, NM_001141974.3); short protein forms V35M.
Identifiers: ClinVar variation 2923669 (VCV002923669.2), dbSNP rs1283092397, ClinGen allele CA338265314.